The following is an entry in ClinVar:

ClinVar aggregate classification (germline): Pathogenic. Review status: criteria provided, multiple submitters, no conflicts (2 of 4 stars). 3 submissions from 3 submitters: Pathogenic (3). Last evaluated 2025-02-18.

Conditions:
Hereditary cancer-predisposing syndrome. Also called: Neoplastic Syndromes, Hereditary; Hereditary Cancer Syndrome; Tumor predisposition; Hereditary neoplastic syndrome. Identifiers: Orphanet 140162, MedGen C0027672, MeSH D009386, MONDO:0015356.
Hereditary breast ovarian cancer syndrome. Also called: Hereditary breast and ovarian cancer; Hereditary breast and ovarian cancer syndrome; Breast and ovarian cancer; BRCA1- and BRCA2-Associated Hereditary Breast and Ovarian Cancer; Hereditary breast and/or ovarian cancer syndrome; Hereditary breast and ovarian cancer syndrome (HBOC). Identifiers: Orphanet 145, MedGen C0677776, MeSH D061325, MONDO:0003582. Disease mechanism: loss of function.

Submissions (3):

Labcorp Genetics (formerly Invitae), Labcorp
Classification: Pathogenic for Hereditary breast ovarian cancer syndrome. Last evaluated: 2025-02-18. Review status: criteria provided, single submitter. Criteria: Invitae Variant Classification Sherloc (09022015). Collection method: clinical testing. Allele origin: germline.
Comment: This sequence change creates a premature translational stop signal (p.Trp563*) in the BRCA2 gene. It is expected to result in an absent or disrupted protein product. Loss-of-function variants in BRCA2 are known to be pathogenic (PMID: 20104584). This variant is not present in population databases (gnomAD no frequency). This premature translational stop signal has been observed in individual(s) with breast and/or ovarian cancer (PMID: 29487695, 30702160). ClinVar contains an entry for this variant (Variation ID: 993171). For these reasons, this variant has been classified as Pathogenic.

Ambry Genetics
Classification: Pathogenic for Hereditary cancer-predisposing syndrome. Last evaluated: 2023-05-02. Review status: criteria provided, single submitter. Criteria: Ambry Variant Classification Scheme 2023. Collection method: clinical testing. Allele origin: germline.
Comment: The p.W563* pathogenic mutation (also known as c.1688G>A), located in coding exon 9 of the BRCA2 gene, results from a G to A substitution at nucleotide position 1688. This changes the amino acid from a tryptophan to a stop codon within coding exon 9. This alteration is expected to result in loss of function by premature protein truncation or nonsense-mediated mRNA decay. As such, this alteration is interpreted as a disease-causing mutation.

Quest Diagnostics Nichols Institute San Juan Capistrano
Classification: Pathogenic. Last evaluated: 2019-10-08. Review status: criteria provided, single submitter. Criteria: Quest Diagnostics criteria. Collection method: clinical testing. Allele origin: unknown.
Comment: The variant creates a premature nonsense codon, and is therefore predicted to result in the loss of a functional protein. Found in at least one patient with expected phenotype for this gene, and not found in general population data.

Literature cited by the submitters: PubMed 20104584 (cited by Labcorp Genetics (formerly Invitae), Labcorp); PubMed 29487695 (cited by Labcorp Genetics (formerly Invitae), Labcorp); PubMed 30702160 (cited by Labcorp Genetics (formerly Invitae), Labcorp).

NM_000059.4(BRCA2):c.1688G>A (p.Trp563Ter)

Gene: BRCA2 (BRCA2 DNA repair associated; plus strand). Cytogenetic location: 13q13.1.
Variant type: single nucleotide variant.
Coding change: c.1688G>A on transcript NM_000059.4 (MANE Select); coding-DNA position 1688, G replaced by A.
Protein change: p.Trp563Ter; replaces tryptophan 563 with a stop codon.
Molecular consequence: nonsense.
Genome position (GRCh38, 1-based): chr13:32,333,166, G>A. VCF-style: chr13-32333166-G-A. GRCh37 (hg19) VCF-style: chr13-32907303-G-A.
Other names: short protein forms W563*.
Identifiers: ClinVar variation 993171 (VCV000993171.16), dbSNP rs1566224110, ClinGen allele CA387765176.
Genomic context (GRCh38, chr13:32,333,166, plus strand): 5'-ATACTGTTTGCTCACAGAAGGAGGACTCCTTATGTCCAAATTTAATTGATAATGGAAGCT[G>A]GCCAGCCACCACCACACAGAATTCTGTAGCTTTGAAGAATGCAGGTTTAATATCCACTTT-3'